The following is an entry in ClinVar:

NM_005245.4(FAT1):c.4674C>T (p.His1558=)

Gene: FAT1 (FAT atypical cadherin 1; minus strand). Cytogenetic location: 4q35.2.
Variant type: single nucleotide variant.
Coding change: c.4674C>T on transcript NM_005245.4 (MANE Select); coding-DNA position 4674, C replaced by T.
Protein change: p.His1558=; no amino-acid change (histidine 1558 retained).
Molecular consequence: synonymous variant.
Genome position (GRCh38, 1-based): chr4:186,628,290, G>A on the plus strand (C>T on the coding strand, the complement: FAT1 is on the minus strand). VCF-style: chr4-186628290-G-A. GRCh37 (hg19) VCF-style: chr4-187549444-G-A.
Other names: c.4674C>T, p.His1558= (NM_001440455.1, NM_001440456.1, NM_001440457.1).
Identifiers: ClinVar variation 4977630 (VCV004977630.1).

ClinVar aggregate classification (germline): Likely benign (1 of 4 stars; one submission).

Conditions:
FAT1-related disorder. Also called: FAT1-related condition.

gnomAD v4.1: 8 of 1,613,714 alleles (0.0005%); highest among the groups gnomAD compares: Non-Finnish European, 0.00068%; no homozygotes.

Submission:

PreventionGenetics, part of Exact Sciences
Classification: Likely benign for FAT1-related condition. Last evaluated: 2025-10-20. Review status: criteria provided, single submitter. Criteria: ACMG Guidelines, 2015. Collection method: clinical testing. Allele origin: germline.
Comment: This variant is classified as likely benign based on ACMG/AMP sequence variant interpretation guidelines (Richards et al. 2015 PMID: 25741868, with internal and published modifications).